The following is an entry in ClinVar:

ClinVar aggregate classification (germline): Conflicting classifications of pathogenicity. Review status: criteria provided, conflicting classifications (1 of 4 stars). 2 submissions from 2 submitters: Likely pathogenic (1); Uncertain significance (1). Last evaluated 2019-08-11.

Conditions:
Landau-Kleffner syndrome (FESD). Also called: EPILEPSY, FOCAL, WITH SPEECH DISORDER AND WITH OR WITHOUT MENTAL RETARDATION; APHASIA, ACQUIRED, WITH EPILEPSY. Identifiers: Orphanet 1945, Orphanet 725, Orphanet 98818, MedGen C0282512, MONDO:0009509, OMIM 245570.

Submissions (2):

Labcorp Genetics (formerly Invitae), Labcorp
Classification: Uncertain significance for Landau-Kleffner syndrome. Last evaluated: 2019-08-11. Review status: criteria provided, single submitter. Criteria: Invitae Variant Classification Sherloc (09022015). Collection method: clinical testing. Allele origin: germline.
Comment: This sequence change falls in intron 13 of the GRIN2A gene. It does not directly change the encoded amino acid sequence of the GRIN2A protein, but it affects a nucleotide within the consensus splice site of the intron. In summary, the available evidence is currently insufficient to determine the role of this variant in disease. Therefore, it has been classified as a Variant of Uncertain Significance. Nucleotide substitutions within the consensus splice site are a relatively common cause of aberrant splicing (PMID: 17576681, 9536098). Algorithms developed to predict the effect of sequence changes on RNA splicing suggest that this variant may disrupt the consensus splice site, but this prediction has not been confirmed by published transcriptional studies. This variant has not been reported in the literature in individuals with GRIN2A-related conditions. ClinVar contains an entry for this variant (Variation ID: 420750). This variant is not present in population databases (ExAC no frequency).

GeneDx
Classification: Likely pathogenic. Last evaluated: 2017-06-01. Review status: criteria provided, single submitter. Criteria: GeneDx Variant Classification (06012015). Collection method: clinical testing. Allele origin: germline. Affected: yes.
Comment: A c.2595+5 G>C variant that is likely pathogenic has been identified in the GRIN2A gene. The c.2595+5 G>C variant has not been published as a pathogenic variant, nor has it been reported as a benign variant to our knowledge. It was not observed in approximately 6,500 individuals of European and African American ancestry in the NHLBI Exome Sequencing Project, indicating it is not a common benign variant in these populations. This substitution occurs at a nucleotide position that is conserved across species, and multiple in-silico splice prediction models predict c.2595+5 G>C destroys the natural splice donor site of intron 13, leading to abnormal gene splicing. However, in the absence of RNA/functional studies, the actual effect of this sequence change is unknown. Therefore, this variant is likely pathogenic; however, the possibility that it is benign cannot be excluded.

Literature cited by the submitters: PubMed 17576681 (cited by Labcorp Genetics (formerly Invitae), Labcorp); PubMed 9536098 (cited by Labcorp Genetics (formerly Invitae), Labcorp).

NM_001134407.3(GRIN2A):c.2595+5G>C

Gene: GRIN2A (glutamate ionotropic receptor NMDA type subunit 2A; minus strand). Cytogenetic location: 16p13.2.
Variant type: single nucleotide variant.
Coding change: c.2595+5G>C on transcript NM_001134407.3 (MANE Select); 5 bases into the intron after coding-DNA position 2595, G replaced by C.
Molecular consequence: intron variant.
Genome position (GRCh38, 1-based): chr16:9,768,846, C>G on the plus strand (G>C on the coding strand, the complement: GRIN2A is on the minus strand). VCF-style: chr16-9768846-C-G. GRCh37 (hg19) VCF-style: chr16-9862703-C-G.
Other names: c.2595+5G>C (NM_001134408.2, NM_000833.5).
Identifiers: ClinVar variation 420750 (VCV000420750.10), dbSNP rs1064794679, ClinGen allele CA16620321.